The following is an entry in ClinVar:

ClinVar aggregate classification (germline): Uncertain significance. Review status: criteria provided, multiple submitters, no conflicts (2 of 4 stars). 2 submissions from 2 submitters: Uncertain significance (2). Last evaluated 2024-06-13.

Conditions:
Tetralogy of Fallot (TOF). Identifiers: Orphanet 3303, MedGen C0039685, MONDO:0008542, OMIM 187500, HP:0001636.
Charcot-Marie-Tooth disease, axonal, Type 2HH. Also called: CHARCOT-MARIE-TOOTH NEUROPATHY, TYPE 2HH. Identifiers: MedGen C5562003, MONDO:0030458, OMIM 619574.
Deafness, congenital heart defects, and posterior embryotoxon (DCHE). Identifiers: MedGen C1866053, MONDO:0060713, OMIM 617992.
Alagille syndrome due to a JAG1 point mutation. Also called: HEPATIC DUCTULAR HYPOPLASIA, SYNDROMATIC; Alagille Syndrome 1; JAG1-Related Alagille Syndrome. Identifiers: Orphanet 261619, Orphanet 52, MedGen C1956125, MONDO:0016862, OMIM 118450.

Allele frequency attached by ClinVar (database versions not stated): gnomAD exomes below 0.00001.
gnomAD v4.1: 8 of 1,614,190 alleles (0.0005%); highest among the groups gnomAD compares: Non-Finnish European, 0.00025%; no homozygotes.

Submissions (2):

Labcorp Genetics (formerly Invitae), Labcorp
Classification: Uncertain significance for Alagille syndrome due to a JAG1 point mutation. Last evaluated: 2024-06-13. Review status: criteria provided, single submitter. Criteria: Invitae Variant Classification Sherloc (09022015). Collection method: clinical testing. Allele origin: germline.
Comment: This sequence change replaces glycine, which is neutral and non-polar, with valine, which is neutral and non-polar, at codon 611 of the JAG1 protein (p.Gly611Val). This variant is not present in population databases (gnomAD no frequency). This variant has not been reported in the literature in individuals affected with JAG1-related conditions. ClinVar contains an entry for this variant (Variation ID: 1494711). Advanced modeling of protein sequence and biophysical properties (such as structural, functional, and spatial information, amino acid conservation, physicochemical variation, residue mobility, and thermodynamic stability) has been performed at Invitae for this missense variant, however the output from this modeling did not meet the statistical confidence thresholds required to predict the impact of this variant on JAG1 protein function. In summary, the available evidence is currently insufficient to determine the role of this variant in disease. Therefore, it has been classified as a Variant of Uncertain Significance.

Fulgent Genetics
Classification: Uncertain significance for Alagille syndrome due to a JAG1 point mutation; Tetralogy of Fallot; Deafness, congenital heart defects, and posterior embryotoxon; Charcot-Marie-Tooth disease, axonal, Type 2HH. Last evaluated: 2024-05-13. Review status: criteria provided, single submitter. Criteria: ACMG Guidelines, 2015. Collection method: clinical testing. Allele origin: germline.

NM_000214.3(JAG1):c.1832G>T (p.Gly611Val)

Gene: JAG1 (jagged canonical Notch ligand 1; minus strand). Cytogenetic location: 20p12.2.
Variant type: single nucleotide variant.
Coding change: c.1832G>T on transcript NM_000214.3 (MANE Select); coding-DNA position 1832, G replaced by T.
Protein change: p.Gly611Val; replaces glycine 611 with valine.
Molecular consequence: missense variant.
Genome position (GRCh38, 1-based): chr20:10,646,992, C>A on the plus strand (G>T on the coding strand, the complement: JAG1 is on the minus strand). VCF-style: chr20-10646992-C-A. GRCh37 (hg19) VCF-style: chr20-10627640-C-A.
Other names: short protein forms G611V.
Identifiers: ClinVar variation 1494711 (VCV001494711.7), dbSNP rs2122606183, ClinGen allele CA408236047.
Genomic context (GRCh38, chr20:10,646,992, plus strand): 5'-GTCTTACTTTCATGGCAGTATGTTCCCGTGAAGCCTTTGTTACAGTCACAGGTGAATTTG[C>A]CTCCCGACTGACTCTTGCACTTCCCGTGAGGACCACAGACGTTGGAGGAAATATACCGCA-3'
Protein context (NP_000205.1, residues 601-621): PHGKCKSQSG[Gly611Val]KFTCDCNKGF